The following is an entry in ClinVar:

ClinVar aggregate classification (germline): Uncertain significance. Review status: criteria provided, multiple submitters, no conflicts (2 of 4 stars). 3 submissions from 3 submitters: Uncertain significance (3). Last evaluated 2026-05-25.

Conditions:
Cardiovascular phenotype. Identifiers: MedGen CN230736.
TNXB-related disorder. Also called: TNXB-related condition.

Allele frequency attached by ClinVar (database versions not stated): ExAC 0.00008; gnomAD 0.00003; TOPMed 0.00003.
gnomAD v4.1: 32 of 1,606,456 alleles (0.002%); highest among the groups gnomAD compares: African/African-American, 0.0027%; no homozygotes.

Submissions (3):

PreventionGenetics, part of Exact Sciences
Classification: Uncertain significance for TNXB-related condition. Last evaluated: 2026-05-25. Review status: criteria provided, single submitter. Criteria: ACMG Guidelines, 2015. Collection method: clinical testing. Allele origin: germline.
Comment: The TNXB c.3248C>T variant is predicted to result in the amino acid substitution p.Thr1083Met. To our knowledge, this variant has not been reported in the literature. This variant is reported in 0.0083% of alleles in individuals of European (Non-Finnish) descent in gnomAD. At this time, the clinical significance of this variant is uncertain due to the absence of conclusive functional and genetic evidence.

GeneDx
Classification: Uncertain significance. Last evaluated: 2025-09-10. Review status: criteria provided, single submitter. Criteria: GeneDx Variant Classification Process June 2021. Collection method: clinical testing. Allele origin: germline. Affected: yes.
Comment: Has not been previously published as pathogenic or benign to our knowledge; In silico analysis supports that this missense variant has a deleterious effect on protein structure/function

Ambry Genetics
Classification: Uncertain significance for Cardiovascular phenotype. Last evaluated: 2023-10-20. Review status: criteria provided, single submitter. Criteria: Ambry Variant Classification Scheme 2023. Collection method: clinical testing. Allele origin: germline.
Comment: The p.T1083M variant (also known as c.3248C>T), located in coding exon 7 of the TNXB gene, results from a C to T substitution at nucleotide position 3248. The threonine at codon 1083 is replaced by methionine, an amino acid with similar properties. This amino acid position is conserved. In addition, this alteration is predicted to be tolerated by in silico analysis. Since supporting evidence is limited at this time, the clinical significance of this alteration remains unclear.

NM_001365276.2(TNXB):c.3248C>T (p.Thr1083Met)

Gene: TNXB (tenascin XB; minus strand). Cytogenetic location: 6p21.33.
Variant type: single nucleotide variant.
Coding change: c.3248C>T on transcript NM_001365276.2 (MANE Select); coding-DNA position 3248, C replaced by T.
Protein change: p.Thr1083Met; replaces threonine 1083 with methionine.
Molecular consequence: missense variant.
Genome position (GRCh38, 1-based): chr6:32,084,610, G>A on the plus strand (C>T on the coding strand, the complement: TNXB is on the minus strand). VCF-style: chr6-32084610-G-A. GRCh37 (hg19) VCF-style: chr6-32052387-G-A.
Other names: c.3248C>T, p.Thr1083Met (NM_019105.8); short protein forms T1083M.
Identifiers: ClinVar variation 2392986 (VCV002392986.5), dbSNP rs759556470, ClinGen allele CA3735216.